The following is an entry in ClinVar:

NM_003001.5(SDHC):c.384C>T (p.Thr128=)

Gene: SDHC (succinate dehydrogenase complex subunit C; plus strand). Cytogenetic location: 1q23.3.
Variant type: single nucleotide variant.
Coding change: c.384C>T on transcript NM_003001.5 (MANE Select); coding-DNA position 384, C replaced by T.
Protein change: p.Thr128=; no amino-acid change (threonine 128 retained).
Molecular consequence: synonymous variant. On other transcripts: non-coding transcript variant (1), intron variant (3).
Genome position (GRCh38, 1-based): chr1:161,356,819, C>T. VCF-style: chr1-161356819-C-T. GRCh37 (hg19) VCF-style: chr1-161326609-C-T.
Other names: c.282C>T, p.Thr94= (NM_001035512.3); c.225C>T, p.Thr75= (NM_001035513.3); c.504C>T, p.Thr168= (NM_001407115.1); c.327C>T, p.Thr109= (NM_001407116.1); c.321C>T, p.Thr107= (NM_001407117.1); c.276C>T, p.Thr92= (NM_001407118.1); c.273C>T, p.Thr91= (NM_001407119.1, NM_001407120.1); c.242-5510C>T (NM_001035511.3); and 2 more.
Identifiers: ClinVar variation 486429 (VCV000486429.15), dbSNP rs1553265821, ClinGen allele CA421501104.

ClinVar aggregate classification (germline): Benign/Likely benign. Review status: criteria provided, multiple submitters, no conflicts (2 of 4 stars). 4 submissions from 4 submitters: Benign (1); Likely benign (3). Last evaluated 2025-06-23.

Conditions:
Pheochromocytoma/paraganglioma syndrome 3. Also called: SDHC-Related Hereditary Paraganglioma-Pheochromocytoma Syndrome (Paragangliomas 3); Paragangliomas 3; GLOMUS TUMORS, FAMILIAL, 3; SDHC-Related Hereditary Paraganglioma-Pheochromocytoma Syndrome. Identifiers: Orphanet 29072, MedGen C1854336, MONDO:0011544, OMIM 605373.
Gastrointestinal stromal tumor. Also called: Gastrointestinal stroma tumor; Gastrointestinal stromal tumor, somatic. Identifiers: Orphanet 44890, MedGen C0238198, MeSH D046152, MONDO:0011719, OMIM 606764, HP:0100723.
Hereditary pheochromocytoma and paraganglioma. Also called: Hereditary paragangliomas and pheochromocytomas; Hereditary Paraganglioma-Pheochromocytoma Syndromes; Hereditary pheochromocytoma-paraganglioma. Identifiers: Orphanet 29072, MedGen C4274332, MONDO:0017366.
Hereditary cancer-predisposing syndrome. Also called: Tumor predisposition; Hereditary neoplastic syndrome; Hereditary Cancer Syndrome; Neoplastic Syndromes, Hereditary. Identifiers: Orphanet 140162, MedGen C0027672, MeSH D009386, MONDO:0015356.

Submissions (4):

Color Diagnostics, LLC DBA Color Health
Classification: Likely benign for Hereditary pheochromocytoma and paraganglioma. Last evaluated: 2025-06-23. Review status: criteria provided, single submitter. Criteria: ACMG Guidelines, 2015. Collection method: clinical testing. Allele origin: germline.

Labcorp Genetics (formerly Invitae), Labcorp
Classification: Likely benign for Pheochromocytoma/paraganglioma syndrome 3; Gastrointestinal stromal tumor. Last evaluated: 2025-05-20. Review status: criteria provided, single submitter. Criteria: Invitae Variant Classification Sherloc (09022015). Collection method: clinical testing. Allele origin: germline.

Myriad Genetics, Inc.
Classification: Benign for Pheochromocytoma/paraganglioma syndrome 3. Last evaluated: 2025-03-17. Review status: criteria provided, single submitter. Criteria: Myriad Autosomal Dominant, Autosomal Recessive and X-Linked Classification Criteria (2023). Collection method: clinical testing. Allele origin: unknown.
Comment: This variant is considered benign. This variant is a silent/synonymous amino acid change and it is not expected to impact splicing.

Ambry Genetics
Classification: Likely benign for Hereditary cancer-predisposing syndrome. Last evaluated: 2017-09-05. Review status: criteria provided, single submitter. Criteria: Ambry Variant Classification Scheme 2023. Collection method: clinical testing. Allele origin: germline.